The following is an entry in ClinVar:

NM_172351.3(CD46):c.424G>C (p.Glu142Gln)

Gene: CD46 (CD46 molecule; plus strand). Cytogenetic location: 1q32.2.
Variant type: single nucleotide variant.
Coding change: c.424G>C on transcript NM_172351.3 (MANE Select); coding-DNA position 424, G replaced by C.
Protein change: p.Glu142Gln; replaces glutamic acid 142 with glutamine.
Molecular consequence: missense variant.
Genome position (GRCh38, 1-based): chr1:207,759,673, G>C. VCF-style: chr1-207759673-G-C. GRCh37 (hg19) VCF-style: chr1-207933018-G-C.
Other names: c.424G>C, p.Glu142Gln (NM_002389.4, NM_153826.4, NM_172350.3 and 8 more transcripts); short protein forms E142Q.
Identifiers: ClinVar variation 1381088 (VCV001381088.10), dbSNP rs371106885, ClinGen allele CA1371624.

ClinVar aggregate classification (germline): Uncertain significance. Review status: criteria provided, multiple submitters, no conflicts (2 of 4 stars). 3 submissions from 3 submitters: Uncertain significance (3). Last evaluated 2026-01-04.

Conditions:
Atypical hemolytic-uremic syndrome. Identifiers: Orphanet 2134, MedGen C2931788, MONDO:0016244.

Allele frequency attached by ClinVar (database versions not stated): ESP Exome Variant Server 0.00008; gnomAD exomes 0.00008 and 0.00009; TOPMed 0.00008; ExAC 0.00005; gnomAD 0.00005.
gnomAD v4.1: 132 of 1,600,996 alleles (0.0082%); highest among the groups gnomAD compares: Non-Finnish European, 0.011%; no homozygotes.

Submissions (3):

Labcorp Genetics (formerly Invitae), Labcorp
Classification: Uncertain significance. Last evaluated: 2026-01-04. Review status: criteria provided, single submitter. Criteria: Invitae Variant Classification Sherloc (09022015). Collection method: clinical testing. Allele origin: germline.
Comment: This sequence change replaces glutamic acid, which is acidic and polar, with glutamine, which is neutral and polar, at codon 142 of the CD46 protein (p.Glu142Gln). This variant is present in population databases (rs371106885, gnomAD 0.02%). This missense change has been observed in individual(s) with atypical hemolytic uremic syndrome (PMID: 21906045, 25733390, 28461395). ClinVar contains an entry for this variant (Variation ID: 1381088). Invitae Evidence Modeling of protein sequence and biophysical properties (such as structural, functional, and spatial information, amino acid conservation, physicochemical variation, residue mobility, and thermodynamic stability) indicates that this missense variant is not expected to disrupt CD46 protein function with a negative predictive value of 80%. Experimental studies have shown that this missense change does not substantially affect CD46 function (PMID: 25733390). In summary, the available evidence is currently insufficient to determine the role of this variant in disease. Therefore, it has been classified as a Variant of Uncertain Significance.

Genomenon, Inc
Classification: Uncertain significance for Atypical hemolytic-uremic syndrome. Last evaluated: 2025-10-02. Review status: criteria provided, single submitter. Criteria: Genomenon Sequence Variant Interpretation Standards. Collection method: curation. Allele origin: germline. Affected: yes.
Comment: CD46 p.Glu142Gln (c.424G>C) is a missense variant that changes the amino acid at residue 142 from Glutamic acid to Glutamine. This variant has been observed in at least one proband affected with atypical hemolytic-uremic syndrome (PMID:25862562;25733390;21906045;26826462;28461395). Functional studies have been reported; however, the significance of the findings remain unclear (PMID:25733390). It is absent or not present at a significant frequency in gnomAD. In conclusion, we classify CD46 p.Glu142Gln (c.424G>C) as a variant of uncertain significance.

Blueprint Genetics
Classification: Uncertain significance. Last evaluated: 2024-09-13. Review status: criteria provided, single submitter. Criteria: ACMG Guidelines, 2015. Collection method: clinical testing. Allele origin: germline.

Literature cited by the submitters: PubMed 21906045 (cited by Labcorp Genetics (formerly Invitae), Labcorp and Genomenon, Inc); PubMed 25733390 (cited by Labcorp Genetics (formerly Invitae), Labcorp and Genomenon, Inc); PubMed 28461395 (cited by Labcorp Genetics (formerly Invitae), Labcorp and Genomenon, Inc); PubMed 25862562 (cited by Genomenon, Inc); PubMed 26826462 (cited by Genomenon, Inc).